The following is an entry in ClinVar:

NM_001148.6(ANK2):c.7523G>A (p.Arg2508Gln)

Genes: ANK2 (ankyrin 2; plus strand), LOC126807137 (CDK7 strongly-dependent group 2 enhancer GRCh37_chr4:114276560-114277759; plus strand). Cytogenetic location: 4q26.
Variant type: single nucleotide variant.
Coding change: c.7523G>A on transcript NM_001148.6 (MANE Select); coding-DNA position 7523, G replaced by A.
Protein change: p.Arg2508Gln; replaces arginine 2508 with glutamine.
Molecular consequence: missense variant. On other transcripts: intron variant (68).
Genome position (GRCh38, 1-based): chr4:113,356,141, G>A. VCF-style: chr4-113356141-G-A. GRCh37 (hg19) VCF-style: chr4-114277297-G-A.
Other names: c.7523G>A (NM_001148.4); c.7289G>A, p.Arg2430Gln (NM_001386142.1); c.3923G>A, p.Arg1308Gln (NM_001386166.1); c.7664G>A, p.Arg2555Gln (NM_001386174.1); c.7640G>A, p.Arg2547Gln (NM_001386175.1); c.4412-4682G>A (NM_001386186.2, NM_001386148.2); c.4214-4682G>A (NM_001354269.3); c.4292-4682G>A (NM_001386187.2); and 36 more; short protein forms R1308Q, R2430Q, R2508Q, R2547Q, R2555Q.
Identifiers: ClinVar variation 1477343 (VCV001477343.8), dbSNP rs781486011, ClinGen allele CA3051606.

ClinVar aggregate classification (germline): Conflicting classifications of pathogenicity. Review status: criteria provided, conflicting classifications (1 of 4 stars). 3 submissions from 3 submitters: Uncertain significance (2); Likely benign (1). Last evaluated 2025-12-10.

Conditions:
Cardiovascular phenotype. Identifiers: MedGen CN230736.
Long QT syndrome (LQTS). Identifiers: MedGen C0023976, MeSH D008133, MONDO:0002442. Disease mechanism: loss of function. Inheritance: Various modes of inheritance.

Allele frequency attached by ClinVar (database versions not stated): gnomAD 0.00001 and 0.00002; gnomAD exomes 0.00001 and 0.00002; TOPMed 0.00001; ExAC 0.00002.
gnomAD v4.1: 18 of 1,613,912 alleles (0.0011%); highest among the groups gnomAD compares: East Asian, 0.0022%; no homozygotes.

Submissions (3):

Ambry Genetics
Classification: Uncertain significance for Cardiovascular phenotype. Last evaluated: 2025-12-10. Review status: criteria provided, single submitter. Criteria: Ambry Variant Classification Scheme 2023. Collection method: clinical testing. Allele origin: germline.
Comment: The p.R2508Q variant (also known as c.7523G>A), located in coding exon 38 of the ANK2 gene, results from a G to A substitution at nucleotide position 7523. The arginine at codon 2508 is replaced by glutamine, an amino acid with highly similar properties. This amino acid position is conserved. In addition, the in silico prediction for this alteration is inconclusive. Based on the available evidence, the clinical significance of this variant remains unclear.

Labcorp Genetics (formerly Invitae), Labcorp
Classification: Uncertain significance for Long QT syndrome. Last evaluated: 2022-10-03. Review status: criteria provided, single submitter. Criteria: Invitae Variant Classification Sherloc (09022015). Collection method: clinical testing. Allele origin: germline.
Comment: In summary, the available evidence is currently insufficient to determine the role of this variant in disease. Therefore, it has been classified as a Variant of Uncertain Significance. Algorithms developed to predict the effect of sequence changes on RNA splicing suggest that this variant may create or strengthen a splice site. Algorithms developed to predict the effect of missense changes on protein structure and function are either unavailable or do not agree on the potential impact of this missense change (SIFT: "Tolerated"; PolyPhen-2: "Probably Damaging"; Align-GVGD: "Class C0"). ClinVar contains an entry for this variant (Variation ID: 1477343). This variant has not been reported in the literature in individuals affected with ANK2-related conditions. This variant is present in population databases (rs781486011, gnomAD 0.007%). This sequence change replaces arginine, which is basic and polar, with glutamine, which is neutral and polar, at codon 2508 of the ANK2 protein (p.Arg2508Gln).

Blueprint Genetics
Classification: Likely benign. Last evaluated: 2018-12-18. Review status: criteria provided, single submitter. Criteria: ACMG Guidelines, 2015. Collection method: clinical testing. Allele origin: germline.